The following is an entry in ClinVar:

NM_001142800.2(EYS):c.-189ACA[1]

Gene: EYS (EGF-like photoreceptor maintenance factor; minus strand). Cytogenetic location: 6q12.
Variant type: Microsatellite.
Coding change: c.-189ACA[1] on transcript NM_001142800.2 (MANE Select); one copy of the 3-base unit ACA starting at c.-189; the reference has two copies in a row; one copy, 3 bases deleted.
Molecular consequence: 5 prime UTR variant.
Genome position (GRCh38, 1-based): chr6:65,495,594-65,495,596, TGT deleted on the plus strand (ACA on the coding strand, the reverse complement: EYS is on the minus strand); deleting any 3 consecutive bases within chr6:65,495,594-65,495,599 gives the same sequence; the position shown is the placement nearest the transcript's 3' end. VCF-style (leftmost placement, unchanged base first): chr6-65495593-ATGT-A. GRCh37 (hg19) VCF-style: chr6-66205486-ATGT-A.
Other names: c.-189ACA[1] (NM_001142801.2, NM_001292009.2, NM_198283.2).
Identifiers: ClinVar variation 1384833 (VCV001384833.6), dbSNP rs2127272237, ClinGen allele CA2580617288.

ClinVar aggregate classification (germline): Uncertain significance (1 of 4 stars; one submission).

Submission:

Labcorp Genetics (formerly Invitae), Labcorp
Classification: Uncertain significance. Last evaluated: 2023-11-27. Review status: criteria provided, single submitter. Criteria: Invitae Variant Classification Sherloc (09022015). Collection method: clinical testing. Allele origin: germline.
Comment: This variant occurs in a non-coding region of the EYS gene. It does not change the encoded amino acid sequence of the EYS protein. This variant is not present in population databases (gnomAD no frequency). This variant has not been reported in the literature in individuals affected with EYS-related conditions. Experimental studies and prediction algorithms are not available or were not evaluated, and the functional significance of this variant is currently unknown. In summary, the available evidence is currently insufficient to determine the role of this variant in disease. Therefore, it has been classified as a Variant of Uncertain Significance.